The following is an entry in ClinVar:

ClinVar aggregate classification (germline): Uncertain significance. Review status: criteria provided, multiple submitters, no conflicts (2 of 4 stars). 4 submissions from 4 submitters: Uncertain significance (4). Last evaluated 2025-12-12.

Conditions:
Dilated cardiomyopathy 1W (CMD1W). Identifiers: Orphanet 154, MedGen C1969639, MONDO:0012667, OMIM 611407.
VCL-related disorder. Also called: VCL-related condition.
Cardiovascular phenotype. Identifiers: MedGen CN230736.
Hypertrophic cardiomyopathy 15. Identifiers: MedGen C2750459, MONDO:0013200, OMIM 613255.

Allele frequency attached by ClinVar (database versions not stated): gnomAD 0.00002; TOPMed 0.00006; ESP Exome Variant Server 0.00015.
gnomAD v4.1: 15 of 1,614,054 alleles (0.00093%); highest among the groups gnomAD compares: African/African-American, 0.011%; no homozygotes.

Submissions (4):

Labcorp Genetics (formerly Invitae), Labcorp
Classification: Uncertain significance for Dilated cardiomyopathy 1W. Last evaluated: 2025-12-12. Review status: criteria provided, single submitter. Criteria: Invitae Variant Classification Sherloc (09022015). Collection method: clinical testing. Allele origin: germline.
Comment: This sequence change replaces proline, which is neutral and non-polar, with threonine, which is neutral and polar, at codon 536 of the VCL protein (p.Pro536Thr). This variant is present in population databases (rs370058111, gnomAD 0.03%). This variant has not been reported in the literature in individuals affected with VCL-related conditions. ClinVar contains an entry for this variant (Variation ID: 960355). An algorithm developed to predict the effect of missense changes on protein structure and function (PolyPhen-2) suggests that this variant is likely to be disruptive. In summary, the available evidence is currently insufficient to determine the role of this variant in disease. Therefore, it has been classified as a Variant of Uncertain Significance.

Ambry Genetics
Classification: Uncertain significance for Cardiovascular phenotype. Last evaluated: 2025-11-04. Review status: criteria provided, single submitter. Criteria: Ambry Variant Classification Scheme 2023. Collection method: clinical testing. Allele origin: germline.
Comment: The p.P536T variant (also known as c.1606C>A), located in coding exon 12 of the VCL gene, results from a C to A substitution at nucleotide position 1606. The proline at codon 536 is replaced by threonine, an amino acid with highly similar properties. This amino acid position is highly conserved in available vertebrate species. In addition, the in silico prediction for this alteration is inconclusive. Since supporting evidence is limited at this time, the clinical significance of this alteration remains unclear.

PreventionGenetics, part of Exact Sciences
Classification: Uncertain significance for VCL-related condition. Last evaluated: 2025-02-26. Review status: criteria provided, single submitter. Criteria: ACMG Guidelines, 2015. Collection method: clinical testing. Allele origin: germline.
Comment: The VCL c.1606C>A variant is predicted to result in the amino acid substitution p.Pro536Thr. To our knowledge, this variant has not been reported in the literature. This variant is reported in 0.031% of alleles in individuals of African descent in gnomAD. At this time, the clinical significance of this variant is uncertain due to the absence of conclusive functional and genetic evidence.

Fulgent Genetics
Classification: Uncertain significance for Dilated cardiomyopathy 1W; Hypertrophic cardiomyopathy 15. Last evaluated: 2021-09-17. Review status: criteria provided, single submitter. Criteria: ACMG Guidelines, 2015. Collection method: clinical testing. Allele origin: unknown.

NM_014000.3(VCL):c.1606C>A (p.Pro536Thr)

Gene: VCL (vinculin; plus strand). Cytogenetic location: 10q22.2.
Variant type: single nucleotide variant.
Coding change: c.1606C>A on transcript NM_014000.3 (MANE Select); coding-DNA position 1606, C replaced by A.
Protein change: p.Pro536Thr; replaces proline 536 with threonine.
Molecular consequence: missense variant.
Genome position (GRCh38, 1-based): chr10:74,095,718, C>A. VCF-style: chr10-74095718-C-A. GRCh37 (hg19) VCF-style: chr10-75855476-C-A.
Other names: c.1606C>A, p.Pro536Thr (NM_003373.4); short protein forms P536T.
Identifiers: ClinVar variation 960355 (VCV000960355.16), dbSNP rs370058111, ClinGen allele CA5563043.